The following is an entry in ClinVar:

NM_001605.3(AARS1):c.962+12G>C

Gene: AARS1 (alanyl-tRNA synthetase 1; minus strand). Cytogenetic location: 16q22.1.
Variant type: single nucleotide variant.
Coding change: c.962+12G>C on transcript NM_001605.3 (MANE Select); 12 bases into the intron after coding-DNA position 962, G replaced by C.
Molecular consequence: intron variant.
Genome position (GRCh38, 1-based): chr16:70,269,606, C>G on the plus strand (G>C on the coding strand, the complement: AARS1 is on the minus strand). VCF-style: chr16-70269606-C-G. GRCh37 (hg19) VCF-style: chr16-70303509-C-G.
Identifiers: ClinVar variation 389734 (VCV000389734.8), dbSNP rs376863001, ClinGen allele CA8140984.
Genomic context (GRCh38, chr16:70,269,606, plus strand): 5'-AAGTTTCATAAAGAGTCACACATAGCACACGTGGTGCCGCTCCAAACACCACCCAGTGTG[C>G]AGCATACTTACCCACGCCCTGTGTTGTCAGGCCGGCCACCATCAGCCAGTGCCACAGTGA-3'

ClinVar aggregate classification (germline): Likely benign. Review status: criteria provided, multiple submitters, no conflicts (2 of 4 stars). 2 submissions from 2 submitters: Likely benign (2). Last evaluated 2025-11-25.

Conditions:
Charcot-Marie-Tooth disease type 2. Also called: Charcot-Marie-Tooth type 2. Identifiers: Orphanet 64746, MedGen C0270914, MONDO:0018993.

Allele frequency attached by ClinVar (database versions not stated): gnomAD 0.00011 and 0.00012; TOPMed 0.00006; ESP Exome Variant Server 0.00008.

Submissions (2):

Labcorp Genetics (formerly Invitae), Labcorp
Classification: Likely benign for Charcot-Marie-Tooth disease type 2. Last evaluated: 2025-11-25. Review status: criteria provided, single submitter. Criteria: Invitae Variant Classification Sherloc (09022015). Collection method: clinical testing. Allele origin: germline.

GeneDx
Classification: Likely benign. Last evaluated: 2016-11-07. Review status: criteria provided, single submitter. Criteria: GeneDx Variant Classification (06012015). Collection method: clinical testing. Allele origin: germline. Affected: yes.
Comment: This variant is considered likely benign or benign based on one or more of the following criteria: it is a conservative change, it occurs at a poorly conserved position in the protein, it is predicted to be benign by multiple in silico algorithms, and/or has population frequency not consistent with disease.